The following is an entry in ClinVar:

NM_001330691.3(CEP78):c.466G>T (p.Ala156Ser)

Gene: CEP78 (centrosomal protein 78; plus strand). Cytogenetic location: 9q21.2.
Variant type: single nucleotide variant.
Coding change: c.466G>T on transcript NM_001330691.3 (MANE Select); coding-DNA position 466, G replaced by T.
Protein change: p.Ala156Ser; replaces alanine 156 with serine.
Molecular consequence: missense variant.
Genome position (GRCh38, 1-based): chr9:78,240,331, G>T. VCF-style: chr9-78240331-G-T. GRCh37 (hg19) VCF-style: chr9-80855247-G-T.
Other names: c.466G>T, p.Ala156Ser (NM_001098802.3, NM_001330693.3, NM_001330694.2 and 4 more transcripts); short protein forms A156S.
Identifiers: ClinVar variation 1034445 (VCV001034445.7), dbSNP rs751049243, ClinGen allele CA5094923.

ClinVar aggregate classification (germline): Uncertain significance. Review status: criteria provided, multiple submitters, no conflicts (2 of 4 stars). 2 submissions from 2 submitters: Uncertain significance (2). Last evaluated 2022-09-14.

Allele frequency attached by ClinVar (database versions not stated): gnomAD exomes 0.00001 and 0.00005; ExAC 0.00002; gnomAD 0.00002; TOPMed 0.00002.
gnomAD v4.1: 17 of 1,593,862 alleles (0.0011%); highest among the groups gnomAD compares: East Asian, 0.038%; no homozygotes.

Submissions (2):

Blueprint Genetics
Classification: Uncertain significance. Last evaluated: 2022-09-14. Review status: criteria provided, single submitter. Criteria: ACMG Guidelines, 2015. Collection method: clinical testing. Allele origin: germline.

Labcorp Genetics (formerly Invitae), Labcorp
Classification: Uncertain significance. Last evaluated: 2021-08-27. Review status: criteria provided, single submitter. Criteria: Invitae Variant Classification Sherloc (09022015). Collection method: clinical testing. Allele origin: germline.
Comment: This sequence change replaces alanine with serine at codon 156 of the CEP78 protein (p.Ala156Ser). The alanine residue is moderately conserved and there is a moderate physicochemical difference between alanine and serine. This variant is present in population databases (rs751049243, ExAC 0.02%). This variant has not been reported in the literature in individuals affected with CEP78-related conditions. Algorithms developed to predict the effect of missense changes on protein structure and function are either unavailable or do not agree on the potential impact of this missense change (SIFT: "Tolerated"; PolyPhen-2: "Probably Damaging"; Align-GVGD: "Class C0"). In summary, the available evidence is currently insufficient to determine the role of this variant in disease. Therefore, it has been classified as a Variant of Uncertain Significance.